The following is an entry in ClinVar:

NM_014363.6(SACS):c.1607C>T (p.Pro536Leu)

Gene: SACS (sacsin molecular chaperone; minus strand). Cytogenetic location: 13q12.12.
Variant type: single nucleotide variant.
Coding change: c.1607C>T on transcript NM_014363.6 (MANE Select); coding-DNA position 1607, C replaced by T.
Protein change: p.Pro536Leu; replaces proline 536 with leucine.
Molecular consequence: missense variant.
Genome position (GRCh38, 1-based): chr13:23,355,005, G>A on the plus strand (C>T on the coding strand, the complement: SACS is on the minus strand). VCF-style: chr13-23355005-G-A. GRCh37 (hg19) VCF-style: chr13-23929144-G-A.
Other names: c.1607C>T (NM_014363.5); c.1166C>T, p.Pro389Leu (NM_001278055.2); short protein forms P536L, P389L.
Identifiers: ClinVar variation 449520 (VCV000449520.21), dbSNP rs1440541889, ClinGen allele CA387547599.

ClinVar aggregate classification (germline): Pathogenic/Likely pathogenic. Review status: criteria provided, multiple submitters, no conflicts (2 of 4 stars). 8 submissions from 8 submitters: Pathogenic (1); Likely pathogenic (7). Last evaluated 2025-11-12.

Conditions:
Charlevoix-Saguenay spastic ataxia (SACS). Also called: Spastic ataxia of Charlevoix-Saguenay; SPASTIC ATAXIA 6, AUTOSOMAL RECESSIVE; AUTOSOMAL RECESSIVE SPASTIC ATAXIA OF CHARLEVOIX-SAGUENAY. Identifiers: Orphanet 98, MedGen C1849140, MONDO:0010041, OMIM 270550.
Spastic paraplegia. Identifiers: MedGen C0037772, HP:0001258.

Allele frequency attached by ClinVar (database versions not stated): gnomAD 0.00001; gnomAD exomes 0.00001; TOPMed 0.00002.
gnomAD v4.1: 6 of 1,614,070 alleles (0.00037%); highest among the groups gnomAD compares: East Asian, 0.0022%; no homozygotes.

Submissions (8):

Myriad Genetics, Inc.
Classification: Likely pathogenic for Charlevoix-Saguenay spastic ataxia. Last evaluated: 2025-11-12. Review status: criteria provided, single submitter. Criteria: Myriad Autosomal Dominant, Autosomal Recessive and X-Linked Classification Criteria (2023). Collection method: clinical testing. Allele origin: unknown.
Comment: NM_014363.4(SACS):c.1607C>T(P536L) is a missense variant classified as likely pathogenic in the context of autosomal recessive spastic ataxia of Charlevoix-Saguenay. P536L has been observed in cases with relevant disease (PMID: 34649874, 18439928, 31069529). Relevant functional assessments of this variant are not available in the literature. P536L has been observed in referenced population frequency databases. In summary, NM_014363.4(SACS):c.1607C>T(P536L) is a missense variant that has been observed more frequently in cases with the relevant disease than in healthy populations. Please note: this variant was assessed in the context of healthy population screening.

Natera, Inc.
Classification: Likely pathogenic for Charlevoix-Saguenay type spastic ataxia. Last evaluated: 2025-09-22. Review status: criteria provided, single submitter. Criteria: Natera Variant Classification Schema (03/2026). Collection method: clinical testing. Allele origin: germline.
Comment: The c.1607C>T variant in SACS is a missense variant predicted to cause substitution of proline to leucine at amino acid 536. This variant is rare in the general population with a frequency below the threshold expected for the associated phenotype(s). This variant has been observed in one or more individuals affected with the associated recessive disease, as either homozygous or compound heterozygous with a second variant (PMID: 31069529, 18439928). This variant has been observed to segregate in affected family members (PMID: 18439928). Computational prediction algorithms indicate this variant is likely to affect gene or protein function. Given the available evidence, this variant is classified as Likely Pathogenic.

Labcorp Genetics (formerly Invitae), Labcorp
Classification: Pathogenic for Spastic paraplegia. Last evaluated: 2024-11-05. Review status: criteria provided, single submitter. Criteria: Invitae Variant Classification Sherloc (09022015). Collection method: clinical testing. Allele origin: germline.
Comment: This sequence change replaces proline, which is neutral and non-polar, with leucine, which is neutral and non-polar, at codon 536 of the SACS protein (p.Pro536Leu). This variant is present in population databases (no rsID available, gnomAD 0.002%). This missense change has been observed in individual(s) with clinical features of SACS-related conditions (PMID: 18439928, 31069529, 34649874; internal data). In at least one individual the data is consistent with being in trans (on the opposite chromosome) from a pathogenic variant. It has also been observed to segregate with disease in related individuals. ClinVar contains an entry for this variant (Variation ID: 449520). Invitae Evidence Modeling of protein sequence and biophysical properties (such as structural, functional, and spatial information, amino acid conservation, physicochemical variation, residue mobility, and thermodynamic stability) indicates that this missense variant is not expected to disrupt SACS protein function with a negative predictive value of 95%. For these reasons, this variant has been classified as Pathogenic.

Fulgent Genetics
Classification: Likely pathogenic for Charlevoix-Saguenay spastic ataxia. Last evaluated: 2024-05-13. Review status: criteria provided, single submitter. Criteria: ACMG Guidelines, 2015. Collection method: clinical testing. Allele origin: germline.

Baylor Genetics
Classification: Likely pathogenic for Charlevoix-Saguenay spastic ataxia. Last evaluated: 2024-01-30. Review status: criteria provided, single submitter. Criteria: ACMG Guidelines, 2015. Collection method: clinical testing. Allele origin: unknown.

Women's Health and Genetics/Laboratory Corporation of America, LabCorp
Classification: Likely pathogenic for Charlevoix-Saguenay spastic ataxia. Last evaluated: 2023-05-19. Review status: criteria provided, single submitter. Criteria: LabCorp Variant Classification Summary - May 2015. Collection method: clinical testing. Allele origin: germline.
Comment: Variant summary: SACS c.1607C>T (p.Pro536Leu) results in a non-conservative amino acid change in the encoded protein sequence. Four of five in-silico tools predict a damaging effect of the variant on protein function. The variant allele was found at a frequency of 8e-06 in 251216 control chromosomes (gnomAD). c.1607C>T has been reported in the literature as a biallelic genotype in individuals affected with Autosomal Recessive Spastic Ataxia Of Charlevoix-Saguenay (e.g. Anheim_2008, Ganapathy_2016, Longo_2021). These data indicate that the variant is likely to be associated with disease. Using fibroblasts from a compound heterozygous patient, the variant protein was found to undergo rapid ubiquitination and degradation, resulting in undetectable levels of mature SACS protein (Longo_2021). The following publications have been ascertained in the context of this evaluation (PMID: 18439928, 31069529, 34649874). Four ClinVar submitters have assessed the variant since 2014: one classified the variant as uncertain significance, and three as likely pathogenic. Based on the evidence outlined above, the variant was classified as likely pathogenic.

Genome-Nilou Lab
Classification: Likely pathogenic for Charlevoix-Saguenay spastic ataxia. Last evaluated: 2021-09-05. Review status: criteria provided, single submitter. Criteria: ACMG Guidelines, 2015. Collection method: clinical testing. Allele origin: germline. Affected: no.

GeneDx
Classification: Likely pathogenic. Last evaluated: 2017-07-12. Review status: criteria provided, single submitter. Criteria: GeneDx Variant Classification (06012015). Collection method: clinical testing. Allele origin: germline. Affected: yes.
Comment: The P536L variant in the SACS gene has been reported previously in association with autosomal recessive spastic ataxia of Charlevoix-Saguenay (Anheim et al., 2008). The P536L variant is not observed in large population cohorts (Lek et al., 2016; 1000 Genomes Consortium et al., 2015; Exome Variant Server). The P536L variant is a semi-conservative amino acid substitution, which may impact secondary protein structure as these residues differ in some properties. Additionally, this substitution occurs at a position that is conserved across species, and in silico analysis predicts this variant is probably damaging to the protein structure/function. We interpret P536L as a likely pathogenic variant.

Literature cited by the submitters: PubMed 18439928 (cited by 4 submitters); PubMed 31069529 (cited by 4 submitters); PubMed 34649874 (cited by 3 submitters).